The following is an entry in ClinVar:

ClinVar aggregate classification (germline): Uncertain significance (1 of 4 stars; one submission).

Conditions:
Wiskott-Aldrich syndrome 2 (WAS2). Also called: WIPF1 DEFICIENCY. Identifiers: Orphanet 906, MedGen C3281001, MONDO:0013779, OMIM 614493.

Allele frequency attached by ClinVar (database versions not stated): ExAC 0.00001; gnomAD 0.00001; gnomAD exomes 0.00001 and 0.00002; TOPMed 0.00002; ESP Exome Variant Server 0.00008.
gnomAD v4.1: 12 of 1,614,094 alleles (0.00074%); highest among the groups gnomAD compares: Non-Finnish European, 0.00093%; no homozygotes.

Submission:

Labcorp Genetics (formerly Invitae), Labcorp
Classification: Uncertain significance for Wiskott-Aldrich syndrome 2. Last evaluated: 2022-06-23. Review status: criteria provided, single submitter. Criteria: Invitae Variant Classification Sherloc (09022015). Collection method: clinical testing. Allele origin: germline.
Comment: This sequence change replaces asparagine, which is neutral and polar, with lysine, which is basic and polar, at codon 200 of the WIPF1 protein (p.Asn200Lys). This variant is present in population databases (rs374598314, gnomAD 0.002%). This variant has not been reported in the literature in individuals affected with WIPF1-related conditions. ClinVar contains an entry for this variant (Variation ID: 969439). Algorithms developed to predict the effect of missense changes on protein structure and function are either unavailable or do not agree on the potential impact of this missense change (SIFT: "Not Available"; PolyPhen-2: "Possibly Damaging"; Align-GVGD: "Not Available"). In summary, the available evidence is currently insufficient to determine the role of this variant in disease. Therefore, it has been classified as a Variant of Uncertain Significance.

NM_001375834.1(WIPF1):c.600C>G (p.Asn200Lys)

Gene: WIPF1 (WAS/WASL interacting protein family member 1; minus strand). Cytogenetic location: 2q31.1.
Variant type: single nucleotide variant.
Coding change: c.600C>G on transcript NM_001375834.1 (MANE Select); coding-DNA position 600, C replaced by G.
Protein change: p.Asn200Lys; replaces asparagine 200 with lysine.
Molecular consequence: missense variant.
Genome position (GRCh38, 1-based): chr2:174,572,205, G>C on the plus strand (C>G on the coding strand, the complement: WIPF1 is on the minus strand). VCF-style: chr2-174572205-G-C. GRCh37 (hg19) VCF-style: chr2-175436933-G-C.
Other names: c.600C>G, p.Asn200Lys (NM_001077269.1, NM_001375832.1, NM_001375833.1 and 5 more transcripts); c.222C>G, p.Asn74Lys (NM_001375839.1); short protein forms N74K, N200K.
Identifiers: ClinVar variation 969439 (VCV000969439.7), dbSNP rs374598314, ClinGen allele CA1974099.